The following is an entry in ClinVar:

NM_183357.3(ADCY5):c.1784T>G (p.Met595Arg)

Gene: ADCY5 (adenylate cyclase 5; minus strand). Cytogenetic location: 3q21.1.
Variant type: single nucleotide variant.
Coding change: c.1784T>G on transcript NM_183357.3 (MANE Select); coding-DNA position 1784, T replaced by G.
Protein change: p.Met595Arg; replaces methionine 595 with arginine.
Molecular consequence: missense variant.
Genome position (GRCh38, 1-based): chr3:123,328,665, A>C on the plus strand (T>G on the coding strand, the complement: ADCY5 is on the minus strand). VCF-style: chr3-123328665-A-C. GRCh37 (hg19) VCF-style: chr3-123047512-A-C.
Other names: c.734T>G, p.Met245Arg (NM_001199642.1); c.1784T>G, p.Met595Arg (NM_001378259.1); short protein forms M245R, M595R.
Identifiers: ClinVar variation 3765768 (VCV003765768.1).

ClinVar aggregate classification (germline): Uncertain significance (1 of 4 stars; one submission).

Submission:

Greenwood Genetic Center Diagnostic Laboratories, Greenwood Genetic Center
Classification: Uncertain significance. Last evaluated: 2024-11-15. Review status: criteria provided, single submitter. Criteria: ACMG Guidelines, 2015. Collection method: clinical testing. Allele origin: germline. Affected: yes.
Comment: PM2, PP2, PP3